The following is an entry in ClinVar:

NM_198488.5(SACK1H):c.951A>G (p.Pro317=)

Gene: SACK1H (scaffolding CK1 anchoring protein H; minus strand). Cytogenetic location: 8q24.3.
Variant type: single nucleotide variant.
Coding change: c.951A>G on transcript NM_198488.5 (MANE Select); coding-DNA position 951, A replaced by G.
Protein change: p.Pro317=; no amino-acid change (proline 317 retained).
Molecular consequence: synonymous variant.
Genome position (GRCh38, 1-based): chr8:143,728,510, T>C on the plus strand (A>G on the coding strand, the complement: SACK1H is on the minus strand). VCF-style: chr8-143728510-T-C. GRCh37 (hg19) VCF-style: chr8-144810680-T-C.
Identifiers: ClinVar variation 719181 (VCV000719181.29), dbSNP rs372370198, ClinGen allele CA4917547.

ClinVar aggregate classification (germline): Benign/Likely benign. Review status: criteria provided, multiple submitters, no conflicts (2 of 4 stars). 3 submissions from 3 submitters: Benign (1); Likely benign (2). Last evaluated 2024-11-19.

Allele frequency attached by ClinVar (database versions not stated): 1000 Genomes Project 30x 0.00094; 1000 Genomes Project 0.00120; gnomAD exomes 0.00303 and 0.00637; TOPMed 0.00360; gnomAD 0.00372 and 0.00377; ESP Exome Variant Server 0.00374; ExAC 0.00415.
gnomAD v4.1: 9,487 of 1,557,352 alleles (0.61%); highest among the groups gnomAD compares: Non-Finnish European, 0.78%; 46 homozygotes.

Submissions (3):

Blueprint Genetics
Classification: Likely benign. Last evaluated: 2024-11-19. Review status: criteria provided, single submitter. Criteria: ACMG Guidelines, 2015. Collection method: clinical testing. Allele origin: germline.

CeGaT Center for Human Genetics Tuebingen
Classification: Likely benign. Last evaluated: 2022-07-01. Review status: criteria provided, single submitter. Criteria: CeGaT Center For Human Genetics Tuebingen Variant Classification Criteria Version 2. Collection method: clinical testing. Allele origin: germline. Affected: yes. Observed: 1 variant allele.
Comment: SACK1H: BP4, BP7

Labcorp Genetics (formerly Invitae), Labcorp
Classification: Benign. Last evaluated: 2019-12-31. Review status: criteria provided, single submitter. Criteria: Invitae Variant Classification Sherloc (09022015). Collection method: clinical testing. Allele origin: germline.